The following is an entry in ClinVar:

ClinVar aggregate classification (germline): Uncertain significance (1 of 4 stars; one submission).

Conditions:
Hereditary breast ovarian cancer syndrome. Also called: Hereditary breast and ovarian cancer syndrome; BRCA1- and BRCA2-Associated Hereditary Breast and Ovarian Cancer; Hereditary breast and ovarian cancer; Hereditary breast and ovarian cancer syndrome (HBOC); Hereditary breast and/or ovarian cancer syndrome; Breast and ovarian cancer. Identifiers: Orphanet 145, MedGen C0677776, MeSH D061325, MONDO:0003582. Disease mechanism: loss of function.

Submission:

Labcorp Genetics (formerly Invitae), Labcorp
Classification: Uncertain significance for Hereditary breast ovarian cancer syndrome. Last evaluated: 2023-06-24. Review status: criteria provided, single submitter. Criteria: Invitae Variant Classification Sherloc (09022015). Collection method: clinical testing. Allele origin: germline.
Comment: This variant is present in population databases (no rsID available, gnomAD 0.0009%). This sequence change replaces glutamine, which is neutral and polar, with glutamic acid, which is acidic and polar, at codon 742 of the BRCA2 protein (p.Gln742Glu). This variant has not been reported in the literature in individuals affected with BRCA2-related conditions. In summary, the available evidence is currently insufficient to determine the role of this variant in disease. Therefore, it has been classified as a Variant of Uncertain Significance. Advanced modeling of protein sequence and biophysical properties (such as structural, functional, and spatial information, amino acid conservation, physicochemical variation, residue mobility, and thermodynamic stability) performed at Invitae indicates that this missense variant is not expected to disrupt BRCA2 protein function.

NM_000059.4(BRCA2):c.2224C>G (p.Gln742Glu)

Gene: BRCA2 (BRCA2 DNA repair associated; plus strand). Cytogenetic location: 13q13.1.
Variant type: single nucleotide variant.
Coding change: c.2224C>G on transcript NM_000059.4 (MANE Select); coding-DNA position 2224, C replaced by G.
Protein change: p.Gln742Glu; replaces glutamine 742 with glutamic acid.
Molecular consequence: missense variant. On other transcripts: non-coding transcript variant (1), intron variant (2).
Genome position (GRCh38, 1-based): chr13:32,336,579, C>G. VCF-style: chr13-32336579-C-G. GRCh37 (hg19) VCF-style: chr13-32910716-C-G.
Other names: c.2224C>G, p.Gln742Glu (NM_001406719.1, NM_001406720.1); c.1909+3192C>G (NM_001406721.1); c.424+5549C>G (NM_001406722.1); short protein forms Q742E.
Identifiers: ClinVar variation 2726969 (VCV002726969.3), dbSNP rs80358494, ClinGen allele CA387770696.
Genomic context (GRCh38, chr13:32,336,579, plus strand): 5'-AAAAGCAAAAAAGTTTCAGATATAAAAGAAGAGGTCTTGGCTGCAGCATGTCACCCAGTA[C>G]AACATTCAAAAGTGGAATACAGTGATACTGACTTTCAATCCCAGAAAAGTCTTTTATATG-3'
Protein context (NP_000050.3, residues 732-752): EVLAAACHPV[Gln742Glu]HSKVEYSDTD